The following is an entry in ClinVar:

ClinVar aggregate classification (germline): Pathogenic (1 of 4 stars; one submission).

Conditions:
Neonatal-onset encephalopathy with rigidity and seizures. Also called: Lethal neonatal spasticity-epileptic encephalopathy syndrome. Identifiers: Orphanet 435845, MedGen C3281029, MONDO:0013784, OMIM 614498.
Neurodevelopmental disorder with cerebellar atrophy and with or without seizures. Identifiers: MedGen C4748032, MONDO:0020841, OMIM 618056.

Submission:

Juno Genomics, Hangzhou Juno Genomics, Inc
Classification: Pathogenic for Neurodevelopmental disorder with cerebellar atrophy and with or without seizures; Neonatal-onset encephalopathy with rigidity and seizures. Review status: criteria provided, single submitter. Criteria: ACMG Guidelines, 2015. Collection method: clinical testing. Allele origin: germline. Affected: yes.
Comment: Absent from controls (or at extremely low frequency if recessive) in Genome Aggregation Database, Exome Sequencing Project, 1000 Genomes Project, or Exome Aggregation Consortium.;Null variant in a gene where loss of function (LOF) is a known mechanism of disease.;For recessive disorders, detected in trans with a pathogenic variant.

NM_152743.4(BRAT1):c.1428del (p.Arg476fs)

Gene: BRAT1 (BRCA1 associated ATM activator 1; minus strand). Cytogenetic location: 7p22.3.
Variant type: Deletion.
Coding change: c.1428del on transcript NM_152743.4 (MANE Select); coding-DNA position 1428, one base deleted (G; older notation c.1428delG).
Protein change: p.Arg476fs; shifts the reading frame from arginine 476.
Molecular consequence: frameshift variant. On other transcripts: non-coding transcript variant (1).
Genome position (GRCh38, 1-based): chr7:2,539,856, C deleted on the plus strand (G on the coding strand, the reverse complement: BRAT1 is on the minus strand); the first of 2 consecutive C bases (chr7:2,539,856-2,539,857); deleting either gives the same sequence. VCF-style (leftmost placement, unchanged base first): chr7-2539855-AC-A. GRCh37 (hg19) VCF-style: chr7-2579489-AC-A.
Other names: c.1428del, p.Arg476fs (NM_001350626.2); c.903del, p.Arg301fs (NM_001350627.2); short protein forms R301fs, R476fs.
Identifiers: ClinVar variation 4533233 (VCV004533233.1).